The following is an entry in ClinVar:

ClinVar aggregate classification (germline): Uncertain significance. Review status: criteria provided, multiple submitters, no conflicts (2 of 4 stars). 2 submissions from 2 submitters: Uncertain significance (2). Last evaluated 2025-05-12.

Allele frequency attached by ClinVar (database versions not stated): gnomAD 0.00009; ExAC 0.00011; TOPMed 0.00013; ESP Exome Variant Server 0.00015.
gnomAD v4.1: 286 of 1,605,268 alleles (0.018%); highest among the groups gnomAD compares: Non-Finnish European, 0.023%; no homozygotes.

Submissions (2):

Labcorp Genetics (formerly Invitae), Labcorp
Classification: Uncertain significance. Last evaluated: 2025-05-12. Review status: criteria provided, single submitter. Criteria: Invitae Variant Classification Sherloc (09022015). Collection method: clinical testing. Allele origin: germline.
Comment: This sequence change replaces arginine, which is basic and polar, with glutamine, which is neutral and polar, at codon 1537 of the DSCAML1 protein (p.Arg1537Gln). This variant is present in population databases (rs150519841, gnomAD 0.02%). This variant has not been reported in the literature in individuals affected with DSCAML1-related conditions. ClinVar contains an entry for this variant (Variation ID: 1940520). An algorithm developed to predict the effect of missense changes on protein structure and function (PolyPhen-2) suggests that this variant is likely to be tolerated. In summary, the available evidence is currently insufficient to determine the role of this variant in disease. Therefore, it has been classified as a Variant of Uncertain Significance.

Ambry Genetics
Classification: Uncertain significance. Last evaluated: 2025-02-20. Review status: criteria provided, single submitter. Criteria: Ambry Variant Classification Scheme 2023. Collection method: clinical testing. Allele origin: germline.

NM_020693.4(DSCAML1):c.4430G>A (p.Arg1477Gln)

Gene: DSCAML1 (DS cell adhesion molecule like 1; minus strand). Cytogenetic location: 11q23.3.
Variant type: single nucleotide variant.
Coding change: c.4430G>A on transcript NM_020693.4 (MANE Select); coding-DNA position 4430, G replaced by A.
Protein change: p.Arg1477Gln; replaces arginine 1477 with glutamine.
Molecular consequence: missense variant.
Genome position (GRCh38, 1-based): chr11:117,437,897, C>T on the plus strand (G>A on the coding strand, the complement: DSCAML1 is on the minus strand). VCF-style: chr11-117437897-C-T. GRCh37 (hg19) VCF-style: chr11-117308613-C-T.
Other names: short protein forms R1477Q.
Identifiers: ClinVar variation 1940520 (VCV001940520.7), dbSNP rs150519841, ClinGen allele CA6296387.
Genomic context (GRCh38, chr11:117,437,897, plus strand): 5'-CTAGCCCACCCTCCCTGGGCCCATCGCTCCTTCCCTGCCCCAGTGGCCTGGGCCTCACCC[C>T]GCCCGTGGGTCTTGGCCTCGATGATCTCGCTGATGCGCCCAGAGCCCACGCTGTTCTTGG-3'
Protein context (NP_065744.3, residues 1467-1487): SEIIEAKTHG[Arg1477Gln]EPSFSKDQHL